The following is an entry in ClinVar:

ClinVar aggregate classification (germline): Uncertain significance (1 of 4 stars; one submission).

Conditions:
PCSK1-related disorder. Also called: PCSK1-related condition.

Submission:

PreventionGenetics, part of Exact Sciences
Classification: Uncertain significance for PCSK1-related condition. Last evaluated: 2025-12-05. Review status: criteria provided, single submitter. Criteria: ACMG Guidelines, 2015. Collection method: clinical testing. Allele origin: germline.
Comment: The PCSK1 c.160G>C variant is predicted to result in the amino acid substitution p.Gly54Arg. In vitro functional studies showed moderate evidence of loss of function (Supplemental Data Set, Shah et al. 2023. PubMed ID: 36864747). To our knowledge, this variant has not been reported in a large population database (gnomAD), indicating this variant is rare. At this time, the clinical significance of this variant is uncertain due to the absence of conclusive functional and genetic evidence.

NM_000439.5(PCSK1):c.160G>C (p.Gly54Arg)

Genes: CAST (calpastatin; plus strand), PCSK1 (proprotein convertase subtilisin/kexin type 1; minus strand), LOC101929710 (uncharacterized LOC101929710; plus strand). Cytogenetic location: 5q15.
Variant type: single nucleotide variant.
Coding change: c.160G>C on transcript NM_000439.5 (MANE Select); coding-DNA position 160, G replaced by C.
Protein change: p.Gly54Arg; replaces glycine 54 with arginine.
Molecular consequence: missense variant. On other transcripts: intron variant (11).
Genome position (GRCh38, 1-based): chr5:96,432,883, C>G on the plus strand (G>C on the coding strand, the complement: PCSK1 is on the minus strand). VCF-style: chr5-96432883-C-G. GRCh37 (hg19) VCF-style: chr5-95768587-C-G.
Other names: c.-175+53231C>G (NM_001423254.1, NM_001423259.1, NM_001423255.1 and 6 more transcripts); c.-103+53231C>G (NM_001423253.1); c.-40+53231C>G (NM_001423258.1); short protein forms G54R.
Identifiers: ClinVar variation 4983011 (VCV004983011.1).